The following is an entry in ClinVar:

NM_000550.3(TYRP1):c.1044T>G (p.Tyr348Ter)

Genes: LURAP1L-AS1 (LURAP1L antisense RNA 1; minus strand), TYRP1 (tyrosinase related protein 1; plus strand). Cytogenetic location: 9p23.
Variant type: single nucleotide variant.
Coding change: c.1044T>G on transcript NM_000550.3 (MANE Select); coding-DNA position 1044, T replaced by G.
Protein change: p.Tyr348Ter; replaces tyrosine 348 with a stop codon.
Molecular consequence: nonsense.
Genome position (GRCh38, 1-based): chr9:12,702,401, T>G. VCF-style: chr9-12702401-T-G. GRCh37 (hg19) VCF-style: chr9-12702401-T-G.
Other names: short protein forms Y348*.
Identifiers: ClinVar variation 3657297 (VCV003657297.2).

ClinVar aggregate classification (germline): Pathogenic (1 of 4 stars; one submission).

Submission:

Labcorp Genetics (formerly Invitae), Labcorp
Classification: Pathogenic. Last evaluated: 2024-06-21. Review status: criteria provided, single submitter. Criteria: Invitae Variant Classification Sherloc (09022015). Collection method: clinical testing. Allele origin: germline.
Comment: This sequence change creates a premature translational stop signal (p.Tyr348*) in the TYRP1 gene. It is expected to result in an absent or disrupted protein product. Loss-of-function variants in TYRP1 are known to be pathogenic (PMID: 8651291, 9345097). This variant is not present in population databases (gnomAD no frequency). This variant has not been reported in the literature in individuals affected with TYRP1-related conditions. For these reasons, this variant has been classified as Pathogenic.

Literature cited by the submitters: PubMed 8651291; PubMed 9345097.